The following is an entry in ClinVar:

ClinVar aggregate classification (germline): Uncertain significance. Review status: criteria provided, multiple submitters, no conflicts (2 of 4 stars). 3 submissions from 3 submitters: Uncertain significance (3). Last evaluated 2024-10-25.

Conditions:
SKIN/HAIR/EYE PIGMENTATION 5, BLACK/NONBLACK HAIR (SHEP5). Also called: SKIN/HAIR/EYE PIGMENTATION, VARIATION IN, 5; SKIN/HAIR/EYE PIGMENTATION 5, DARK/FAIR SKIN; SKIN/HAIR/EYE PIGMENTATION 5, DARK/LIGHT EYES. Identifiers: MedGen C2673584, OMIM 227240.
Oculocutaneous albinism type 4 (OCA4). Also called: Albinism, oculocutaneous, type IV. Identifiers: Orphanet 79435, MedGen C1847836, MONDO:0011683, OMIM 606574.

Allele frequency attached by ClinVar (database versions not stated): gnomAD 0.00001; ExAC 0.00002.

Submissions (3):

Labcorp Genetics (formerly Invitae), Labcorp
Classification: Uncertain significance. Last evaluated: 2024-10-25. Review status: criteria provided, single submitter. Criteria: Invitae Variant Classification Sherloc (09022015). Collection method: clinical testing. Allele origin: germline.
Comment: This sequence change replaces aspartic acid, which is acidic and polar, with valine, which is neutral and non-polar, at codon 18 of the SLC45A2 protein (p.Asp18Val). This variant is present in population databases (rs768464863, gnomAD 0.003%). This variant has not been reported in the literature in individuals affected with SLC45A2-related conditions. ClinVar contains an entry for this variant (Variation ID: 1444648). An algorithm developed to predict the effect of missense changes on protein structure and function (PolyPhen-2) suggests that this variant is likely to be tolerated. In summary, the available evidence is currently insufficient to determine the role of this variant in disease. Therefore, it has been classified as a Variant of Uncertain Significance.

Fulgent Genetics
Classification: Uncertain significance for SKIN/HAIR/EYE PIGMENTATION 5, BLACK/NONBLACK HAIR; Oculocutaneous albinism type 4. Last evaluated: 2024-02-22. Review status: criteria provided, single submitter. Criteria: ACMG Guidelines, 2015. Collection method: clinical testing. Allele origin: germline.

Breakthrough Genomics
Classification: Uncertain significance. Review status: criteria provided, single submitter. Criteria: ACMG Guidelines, 2015. Collection method: not provided. Allele origin: germline. Inheritance: Autosomal recessive inheritance. Affected: yes.

NM_016180.5(SLC45A2):c.53A>T (p.Asp18Val)

Gene: SLC45A2 (solute carrier family 45 member 2; minus strand). Cytogenetic location: 5p13.2.
Variant type: single nucleotide variant.
Coding change: c.53A>T on transcript NM_016180.5 (MANE Select); coding-DNA position 53, A replaced by T.
Protein change: p.Asp18Val; replaces aspartic acid 18 with valine.
Molecular consequence: missense variant.
Genome position (GRCh38, 1-based): chr5:33,984,531, T>A on the plus strand (A>T on the coding strand, the complement: SLC45A2 is on the minus strand). VCF-style: chr5-33984531-T-A. GRCh37 (hg19) VCF-style: chr5-33984636-T-A.
Other names: c.53A>T, p.Asp18Val (NM_001012509.4, NM_001297417.4); short protein forms D18V.
Identifiers: ClinVar variation 1444648 (VCV001444648.9), dbSNP rs768464863, ClinGen allele CA3225885.
Genomic context (GRCh38, chr5:33,984,531, plus strand): 5'-TGCATGATGAGTCTGCTGGTGGGTCTTTTAGGCGGCTCCACAGAGTCAAAGGGGCCATCA[T>A]CAGCTAGGGATTTATAGATGTGGCGGCCAGCCTGCCCACTGTTGCTACCCATGGCCACTG-3'
Protein context (NP_057264.4, residues 8-28): AGRHIYKSLA[Asp18Val]DGPFDSVEPP